The following is an entry in ClinVar:

NM_004329.3(BMPR1A):c.338C>T (p.Ser113Phe)

Gene: BMPR1A (bone morphogenetic protein receptor type 1A; plus strand). Cytogenetic location: 10q23.2.
Variant type: single nucleotide variant.
Coding change: c.338C>T on transcript NM_004329.3 (MANE Select); coding-DNA position 338, C replaced by T.
Protein change: p.Ser113Phe; replaces serine 113 with phenylalanine.
Molecular consequence: missense variant. On other transcripts: non-coding transcript variant (3), intron variant (1).
Genome position (GRCh38, 1-based): chr10:86,899,798, C>T. VCF-style: chr10-86899798-C-T. GRCh37 (hg19) VCF-style: chr10-88659555-C-T.
Other names: c.338C>T, p.Ser113Phe (NM_001406559.1, NM_001406560.1, NM_001406561.1 and 22 more transcripts); c.254C>T, p.Ser85Phe (NM_001406584.1, NM_001406585.1, NM_001406586.1 and 2 more transcripts); c.333+7569C>T (NM_001406589.1); short protein forms S85F, S113F.
Identifiers: ClinVar variation 5032955 (VCV005032955.1).

ClinVar aggregate classification (germline): Uncertain significance (1 of 4 stars; one submission).

Conditions:
Hereditary cancer-predisposing syndrome. Also called: Neoplastic Syndromes, Hereditary; Tumor predisposition; Hereditary neoplastic syndrome; Hereditary Cancer Syndrome. Identifiers: Orphanet 140162, MedGen C0027672, MeSH D009386, MONDO:0015356.

Submission:

Ambry Genetics
Classification: Uncertain significance for Hereditary cancer-predisposing syndrome. Last evaluated: 2026-07-02. Review status: criteria provided, single submitter. Criteria: Ambry Variant Classification Scheme 2023. Collection method: clinical testing. Allele origin: germline.
Comment: The p.S113F variant (also known as c.338C>T), located in coding exon 4 of the BMPR1A gene, results from a C to T substitution at nucleotide position 338. The serine at codon 113 is replaced by phenylalanine, an amino acid with highly dissimilar properties. This amino acid position is conserved. In addition, this alteration is predicted to be deleterious by in silico analysis. Based on the available evidence, the clinical significance of this variant remains unclear.